The following is an entry in ClinVar:

ClinVar aggregate classification (germline): Pathogenic (1 of 4 stars; one submission).

Conditions:
Von Hippel-Lindau syndrome (VHLS). Also called: Von Hippel-Lindau; von Hippel–Lindau syndrome; VHL syndrome. Identifiers: Orphanet 892, MedGen C0019562, MONDO:0008667, OMIM 193300. Disease mechanism: loss of function.
Chuvash polycythemia. Also called: POLYCYTHEMIA, VHL-DEPENDENT. Identifiers: Orphanet 238557, MedGen C1837915, MONDO:0009892, OMIM 263400.

Submission:

Labcorp Genetics (formerly Invitae), Labcorp
Classification: Pathogenic for Von Hippel-Lindau syndrome; Chuvash polycythemia. Last evaluated: 2017-12-15. Review status: criteria provided, single submitter. Criteria: Invitae Variant Classification Sherloc (09022015). Collection method: clinical testing. Allele origin: germline.
Comment: This variant is a gross deletion of the genomic region encompassing exons 2-3 of the VHL gene. The 5' boundary is likely confined to intron 1. The 3' end of this event is unknown as it extends through the termination codon beyond the assayed region for this gene and may encompass additional genes. While this deletion is not anticipated to result in nonsense mediated decay, it is expected to create a truncated protein product or disrupt mRNA translation. Deletions of exons 2-3 have been reported several in individuals with von Hippel-Lindau (VHL) syndrome (PMID: 19336503, 17661816, 12114495, 19764026). This deletion includes the elongin binding domain of VHL, which is required for protein stability and tumor suppressive activity (PMID: 14987375, 10900011). There are also several pathogenic missense and loss-of-function variants encompassed by this deletion in individuals with VHL, further demonstrating the importance of this region (PMID: 8707293). For these reasons, this variant has been classified as Pathogenic.

Literature cited by the submitters: PubMed 19764026; PubMed 17661816; PubMed 19336503; PubMed 12114495; PubMed 10900011; PubMed 14987375; PubMed 8707293.

NC_000003.12:g.(?_10146508)_(10149971_?)del

Genes: VHL (von Hippel-Lindau tumor suppressor; plus strand), LOC107303340 (3p25 von Hippel-Lindau tumor suppressor, E3 ubiquitin protein ligase Alu-mediated recombination region; plus strand). Cytogenetic location: 3p25.3.
Variant type: Deletion.
Identifiers: ClinVar variation 456563 (VCV000456563.1).